The following is an entry in ClinVar:

ClinVar aggregate classification (germline): no classifications from unflagged records (0 of 4 stars; one submission).

Conditions:
Intellectual developmental disorder, X-linked, syndromic, Stocco dos Santos type. Also called: STOCCO DOS SANTOS X-LINKED MENTAL RETARDATION SYNDROME; Stocco dos Santos syndrome; X-linked intellectual disability, Stocco dos Santos type. Identifiers: Orphanet 85288, MedGen C1845530, MONDO:0010325, OMIM 300434.

Submission:

Odermatt lab, University of Bonn
Classification: Uncertain significance for Intellectual developmental disorder, X-linked, syndromic, Stocco dos Santos type. Last evaluated: 2022-04-11. Review status: flagged submission. Collection method: research, in vivo. Allele origin: maternal, not applicable. Inheritance: X-linked inheritance. Affected: yes.
ClinVar note: Notes: This submission was flagged because its interpretation of this variant conflicts with the ClinGen Gene Dosage Map curation for the gene CLCN5.
ClinVar note: Reason: Conflict with ClinGen Gene Dosage Map

Literature cited by the submitters: PubMed 25670966.

Single allele

Genes: PAGE4 (PAGE family member 4; plus strand), AKAP4 (A-kinase anchoring protein 4; minus strand), CCNB3 (cyclin B3; plus strand), CLCN5 (Cl-/H+ antiporter 5; plus strand), DGKK (diacylglycerol kinase kappa; minus strand) and 6 more. Cytogenetic location: Xp11.23-11.22.
Variant type: Deletion.
Identifiers: ClinVar variation 1676599 (VCV001676599.2).